The following is an entry in ClinVar:

NM_138395.4(MARS2):c.1094A>G (p.Tyr365Cys)

Gene: MARS2 (methionyl-tRNA synthetase 2, mitochondrial; plus strand). Cytogenetic location: 2q33.1.
Variant type: single nucleotide variant.
Coding change: c.1094A>G on transcript NM_138395.4 (MANE Select); coding-DNA position 1094, A replaced by G.
Protein change: p.Tyr365Cys; replaces tyrosine 365 with cysteine.
Molecular consequence: missense variant.
Genome position (GRCh38, 1-based): chr2:197,706,499, A>G. VCF-style: chr2-197706499-A-G. GRCh37 (hg19) VCF-style: chr2-198571223-A-G.
Other names: p.Y365C:TAT>TGT; short protein forms Y365C.
Identifiers: ClinVar variation 214629 (VCV000214629.55), dbSNP rs146365382, ClinGen allele CA320245.

ClinVar aggregate classification (germline): Uncertain significance. Review status: criteria provided, multiple submitters, no conflicts (2 of 4 stars). 4 submissions from 4 submitters: Uncertain significance (4). Last evaluated 2025-11-07.

Allele frequency attached by ClinVar (database versions not stated): TOPMed 0.00011; gnomAD exomes 0.00016 and 0.00019; gnomAD 0.00018; ExAC 0.00021; ESP Exome Variant Server 0.00023.
gnomAD v4.1: 271 of 1,614,008 alleles (0.017%); highest among the groups gnomAD compares: Middle Eastern, 0.58%; 3 homozygotes.

Submissions (4):

Labcorp Genetics (formerly Invitae), Labcorp
Classification: Uncertain significance. Last evaluated: 2025-11-07. Review status: criteria provided, single submitter. Criteria: Invitae Variant Classification Sherloc (09022015). Collection method: clinical testing. Allele origin: germline.
Comment: This sequence change replaces tyrosine, which is neutral and polar, with cysteine, which is neutral and slightly polar, at codon 365 of the MARS2 protein (p.Tyr365Cys). This variant is present in population databases (rs146365382, gnomAD 0.03%). This variant has not been reported in the literature in individuals affected with MARS2-related conditions. ClinVar contains an entry for this variant (Variation ID: 214629). Invitae Evidence Modeling of protein sequence and biophysical properties (such as structural, functional, and spatial information, amino acid conservation, physicochemical variation, residue mobility, and thermodynamic stability) indicates that this missense variant is not expected to disrupt MARS2 protein function with a negative predictive value of 80%. In summary, the available evidence is currently insufficient to determine the role of this variant in disease. Therefore, it has been classified as a Variant of Uncertain Significance.

GeneDx
Classification: Uncertain significance. Last evaluated: 2025-07-09. Review status: criteria provided, single submitter. Criteria: GeneDx Variant Classification Process June 2021. Collection method: clinical testing. Allele origin: germline. Affected: yes.
Comment: Reported as heterozygous in an individual with cerebellar ataxia; however, variants in other genes were also identified and the authors concluded a variant in an autosomal dominant gene was causative (Algahtani et al. (2017) J. Genet. Med. 14 (2):71-74); In silico analysis supports that this missense variant has a deleterious effect on protein structure/function

Blueprint Genetics
Classification: Uncertain significance. Last evaluated: 2024-09-13. Review status: criteria provided, single submitter. Criteria: ACMG Guidelines, 2015. Collection method: clinical testing. Allele origin: germline.

CeGaT Center for Human Genetics Tuebingen
Classification: Uncertain significance. Last evaluated: 2016-04-01. Review status: criteria provided, single submitter. Criteria: CeGaT Center For Human Genetics Tuebingen Variant Classification Criteria Version 2. Collection method: clinical testing. Allele origin: germline. Affected: yes. Observed: 1 variant allele.